The following is an entry in ClinVar:

NM_020919.4(ALS2):c.2089G>A (p.Glu697Lys)

Gene: ALS2 (alsin Rho guanine nucleotide exchange factor ALS2; minus strand). Cytogenetic location: 2q33.1.
Variant type: single nucleotide variant.
Coding change: c.2089G>A on transcript NM_020919.4 (MANE Select); coding-DNA position 2089, G replaced by A.
Protein change: p.Glu697Lys; replaces glutamic acid 697 with lysine.
Molecular consequence: missense variant.
Genome position (GRCh38, 1-based): chr2:201,744,339, C>T on the plus strand (G>A on the coding strand, the complement: ALS2 is on the minus strand). VCF-style: chr2-201744339-C-T. GRCh37 (hg19) VCF-style: chr2-202609062-C-T.
Other names: short protein forms E697K.
Identifiers: ClinVar variation 660990 (VCV000660990.6), dbSNP rs772918314, ClinGen allele CA2058285.

ClinVar aggregate classification (germline): Uncertain significance (1 of 4 stars; one submission).

Conditions:
Infantile-onset ascending hereditary spastic paralysis (IAHSP). Also called: Autosomal Recessive Juvenile Amyotrophic Lateral Sclerosis; Infantile-Onset Ascending Hereditary Spastic Paralysis (IAHSP). Identifiers: Orphanet 293168, MedGen C2931441, MONDO:0011797, OMIM 607225. Disease mechanism: loss of function.

Allele frequency attached by ClinVar (database versions not stated): gnomAD exomes 0.00001 and 0.00002; ExAC 0.00002; TOPMed 0.00002; gnomAD 0.00003.
gnomAD v4.1: 42 of 1,613,804 alleles (0.0026%); highest among the groups gnomAD compares: Middle Eastern, 0.016%; no homozygotes.

Submission:

Labcorp Genetics (formerly Invitae), Labcorp
Classification: Uncertain significance for Infantile-onset ascending hereditary spastic paralysis. Last evaluated: 2022-02-24. Review status: criteria provided, single submitter. Criteria: Invitae Variant Classification Sherloc (09022015). Collection method: clinical testing. Allele origin: germline.
Comment: This sequence change replaces glutamic acid, which is acidic and polar, with lysine, which is basic and polar, at codon 697 of the ALS2 protein (p.Glu697Lys). This variant is present in population databases (rs772918314, gnomAD 0.003%). This variant has not been reported in the literature in individuals affected with ALS2-related conditions. ClinVar contains an entry for this variant (Variation ID: 660990). Algorithms developed to predict the effect of missense changes on protein structure and function are either unavailable or do not agree on the potential impact of this missense change (SIFT: "Tolerated"; PolyPhen-2: "Probably Damaging"; Align-GVGD: "Class C0"). In summary, the available evidence is currently insufficient to determine the role of this variant in disease. Therefore, it has been classified as a Variant of Uncertain Significance.